The following is an entry in ClinVar:

NM_005751.5(AKAP9):c.10262A>T (p.Glu3421Val)

Gene: AKAP9 (A-kinase anchoring protein 9; plus strand). Cytogenetic location: 7q21.2.
Variant type: single nucleotide variant.
Coding change: c.10262A>T on transcript NM_005751.5 (MANE Select); coding-DNA position 10262, A replaced by T.
Protein change: p.Glu3421Val; replaces glutamic acid 3421 with valine.
Molecular consequence: missense variant.
Genome position (GRCh38, 1-based): chr7:92,097,221, A>T. VCF-style: chr7-92097221-A-T. GRCh37 (hg19) VCF-style: chr7-91726535-A-T.
Other names: c.4907A>T, p.Glu1636Val (NM_001379277.1); c.10238A>T, p.Glu3413Val (NM_147185.3); short protein forms E3413V, E1636V, E3421V.
Identifiers: ClinVar variation 3635040 (VCV003635040.2).

ClinVar aggregate classification (germline): Uncertain significance (1 of 4 stars; one submission).

Conditions:
Long QT syndrome (LQTS). Identifiers: MedGen C0023976, MeSH D008133, MONDO:0002442. Disease mechanism: loss of function. Inheritance: Various modes of inheritance.

gnomAD v4.1: 2 of 1,612,474 alleles (0.00012%); highest among the groups gnomAD compares: Non-Finnish European, 0.00017%; no homozygotes.

Submission:

Labcorp Genetics (formerly Invitae), Labcorp
Classification: Uncertain significance for Long QT syndrome. Last evaluated: 2024-08-05. Review status: criteria provided, single submitter. Criteria: Invitae Variant Classification Sherloc (09022015). Collection method: clinical testing. Allele origin: germline.
Comment: This sequence change replaces glutamic acid, which is acidic and polar, with valine, which is neutral and non-polar, at codon 3421 of the AKAP9 protein (p.Glu3421Val). This variant is not present in population databases (gnomAD no frequency). This variant has not been reported in the literature in individuals affected with AKAP9-related conditions. An algorithm developed to predict the effect of missense changes on protein structure and function (PolyPhen-2) suggests that this variant is likely to be disruptive. In summary, the available evidence is currently insufficient to determine the role of this variant in disease. Therefore, it has been classified as a Variant of Uncertain Significance.